The following is an entry in ClinVar:

NM_001384900.1(SEMA3D):c.1192-5T>G

Gene: SEMA3D (semaphorin 3D; minus strand). Cytogenetic location: 7q21.11.
Variant type: single nucleotide variant.
Coding change: c.1192-5T>G on transcript NM_001384900.1 (MANE Select); 5 bases into the intron before coding-DNA position 1192, T replaced by G.
Molecular consequence: intron variant.
Genome position (GRCh38, 1-based): chr7:85,022,618, A>C on the plus strand (T>G on the coding strand, the complement: SEMA3D is on the minus strand). VCF-style: chr7-85022618-A-C. GRCh37 (hg19) VCF-style: chr7-84651934-A-C.
Other names: c.1192-5T>G (NM_001384901.1, NM_001384903.1, NM_001384902.1 and 1 more transcripts).
Identifiers: ClinVar variation 4996986 (VCV004996986.1).

ClinVar aggregate classification (germline): Likely benign (1 of 4 stars; one submission).

Conditions:
SEMA3D-related disorder. Also called: SEMA3D-related condition.

gnomAD v4.1: 2 of 1,591,842 alleles (0.00013%); highest among the groups gnomAD compares: Non-Finnish European, 0.00017%; no homozygotes.

Submission:

PreventionGenetics, part of Exact Sciences
Classification: Likely benign for SEMA3D-related condition. Last evaluated: 2025-02-10. Review status: criteria provided, single submitter. Criteria: ACMG Guidelines, 2015. Collection method: clinical testing. Allele origin: germline.
Comment: This variant is classified as likely benign based on ACMG/AMP sequence variant interpretation guidelines (Richards et al. 2015 PMID: 25741868, with internal and published modifications).